The following is an entry in ClinVar:

NM_000321.3(RB1):c.137+6C>T

Gene: RB1 (RB transcriptional corepressor 1; plus strand). Cytogenetic location: 13q14.2.
Variant type: single nucleotide variant.
Coding change: c.137+6C>T on transcript NM_000321.3 (MANE Select); 6 bases into the intron after coding-DNA position 137, C replaced by T.
Molecular consequence: intron variant.
Genome position (GRCh38, 1-based): chr13:48,304,055, C>T. VCF-style: chr13-48304055-C-T. GRCh37 (hg19) VCF-style: chr13-48878191-C-T.
Identifiers: ClinVar variation 574592 (VCV000574592.10), dbSNP rs1273298763, ClinGen allele CA891844035.

ClinVar aggregate classification (germline): Conflicting classifications of pathogenicity. Review status: criteria provided, conflicting classifications (1 of 4 stars). 4 submissions from 4 submitters: Uncertain significance (2); Likely benign (2). Last evaluated 2026-06-18.

Conditions:
Retinoblastoma (RB1). Also called: RETINOBLASTOMA, SOMATIC. Identifiers: Orphanet 790, MedGen C0035335, MeSH D012175, MONDO:0008380, OMIM 180200, HP:0009919. Disease mechanism: loss of function. Inheritance: Both sporadic and heritable forms are tested..

gnomAD v4.1: 3 of 1,426,770 alleles (0.00021%); highest among the groups gnomAD compares: Non-Finnish European, 0.00027%; no homozygotes.

Submissions (4):

Myriad Genetics, Inc.
Classification: Likely benign for Retinoblastoma. Last evaluated: 2026-06-18. Review status: criteria provided, single submitter. Criteria: Myriad Autosomal Dominant, Autosomal Recessive and X-Linked Classification Criteria (2023). Collection method: clinical testing. Allele origin: unknown.
Comment: This variant is considered likely benign. This variant is intronic and is not expected to impact mRNA splicing.

Labcorp Genetics (formerly Invitae), Labcorp
Classification: Likely benign for Retinoblastoma. Last evaluated: 2025-10-16. Review status: criteria provided, single submitter. Criteria: Invitae Variant Classification Sherloc (09022015). Collection method: clinical testing. Allele origin: germline.

Color Diagnostics, LLC DBA Color Health
Classification: Uncertain significance for Retinoblastoma. Last evaluated: 2025-08-12. Review status: criteria provided, single submitter. Criteria: ACMG Guidelines, 2015. Collection method: clinical testing. Allele origin: germline.
Comment: This variant causes a C to T nucleotide substitution at the +6 position of intron 1 of the RB1 gene. To our knowledge, RNA studies have not been reported for this variant. This variant has not been reported in individuals affected with RB1-related disorders in the literature. This variant has not been identified in the general population by the Genome Aggregation Database (gnomAD). The available evidence is insufficient to determine the role of this variant in disease conclusively. Therefore, this variant is classified as a Variant of Uncertain Significance.

All of Us Research Program, National Institutes of Health
Classification: Uncertain significance for Retinoblastoma. Last evaluated: 2023-06-08. Review status: criteria provided, single submitter. Criteria: ACMG Guidelines, 2015. Collection method: clinical testing. Allele origin: germline. Inheritance: Autosomal dominant inheritance. Observed: 1 variant allele, 1 heterozygote.
Comment: This variant causes a C to T nucleotide substitution at the +6 position of intron 1 of the RB1 gene. To our knowledge, RNA studies have not been reported for this variant. This variant has not been reported in individuals affected with hereditary cancer in the literature. This variant has not been identified in the general population by the Genome Aggregation Database (gnomAD). The available evidence is insufficient to determine the role of this variant in disease conclusively. Therefore, this variant is classified as a Variant of Uncertain Significance.

This study involves interpretation of variants in research participants for the purpose of population health screening. Participant phenotype was not available at the time of variant classification. Additional details can be found in publication PMID: 35346344, PMCID: PMC8962531